The following is an entry in ClinVar:

NM_014003.4(DHX38):c.2088T>A (p.Phe696Leu)

Gene: DHX38 (DEAH-box helicase 38; plus strand). Cytogenetic location: 16q22.2.
Variant type: single nucleotide variant.
Coding change: c.2088T>A on transcript NM_014003.4 (MANE Select); coding-DNA position 2088, T replaced by A.
Protein change: p.Phe696Leu; replaces phenylalanine 696 with leucine.
Molecular consequence: missense variant.
Genome position (GRCh38, 1-based): chr16:72,104,563, T>A. VCF-style: chr16-72104563-T-A. GRCh37 (hg19) VCF-style: chr16-72138462-T-A.
Other names: short protein forms F696L.
Identifiers: ClinVar variation 1409151 (VCV001409151.6), dbSNP rs373027022, ClinGen allele CA396710708.

ClinVar aggregate classification (germline): Uncertain significance (1 of 4 stars; one submission).

Submission:

Labcorp Genetics (formerly Invitae), Labcorp
Classification: Uncertain significance. Last evaluated: 2025-09-08. Review status: criteria provided, single submitter. Criteria: Invitae Variant Classification Sherloc (09022015). Collection method: clinical testing. Allele origin: germline.
Comment: This sequence change replaces phenylalanine, which is neutral and non-polar, with leucine, which is neutral and non-polar, at codon 696 of the DHX38 protein (p.Phe696Leu). This variant is not present in population databases (gnomAD no frequency). This variant has not been reported in the literature in individuals affected with DHX38-related conditions. ClinVar contains an entry for this variant (Variation ID: 1409151). Invitae Evidence Modeling of protein sequence and biophysical properties (such as structural, functional, and spatial information, amino acid conservation, physicochemical variation, residue mobility, and thermodynamic stability) indicates that this missense variant is expected to disrupt DHX38 protein function with a positive predictive value of 80%. In summary, the available evidence is currently insufficient to determine the role of this variant in disease. Therefore, it has been classified as a Variant of Uncertain Significance.